The following is an entry in ClinVar:

ClinVar aggregate classification (germline): Likely benign. Review status: criteria provided, single submitter (1 of 4 stars). 2 submissions from 2 submitters: Likely benign (1). 1 of the submissions does not count toward it. Last evaluated 2022-03-20.

Conditions:
BBS12-related disorder. Also called: BBS12-related condition.
Bardet-Biedl syndrome (BBS). Identifiers: Orphanet 110, MedGen C0752166, MONDO:0015229.

Allele frequency attached by ClinVar (database versions not stated): gnomAD exomes below 0.00001; TOPMed below 0.00001.
gnomAD v4.1: 7 of 1,608,596 alleles (0.00044%); highest among the groups gnomAD compares: Non-Finnish European, 0.00051%; no homozygotes.

Submissions (2):

Labcorp Genetics (formerly Invitae), Labcorp
Classification: Likely benign for Bardet-Biedl syndrome. Last evaluated: 2022-03-20. Review status: criteria provided, single submitter. Criteria: Invitae Variant Classification Sherloc (09022015). Collection method: clinical testing. Allele origin: germline.

PreventionGenetics, part of Exact Sciences
Classification: Likely benign for BBS12-related condition. Last evaluated: 2022-05-19. Review status: no assertion criteria provided. Collection method: clinical testing. Allele origin: germline. Not counted in ClinVar's aggregate classification.
Comment: This variant is classified as likely benign based on ACMG/AMP sequence variant interpretation guidelines (Richards et al. 2015 PMID: 25741868, with internal and published modifications).

NM_152618.3(BBS12):c.2029T>C (p.Leu677=)

Gene: BBS12 (Bardet-Biedl syndrome 12; plus strand). Cytogenetic location: 4q27.
Variant type: single nucleotide variant.
Coding change: c.2029T>C on transcript NM_152618.3 (MANE Select); coding-DNA position 2029, T replaced by C.
Protein change: p.Leu677=; no amino-acid change (leucine 677 retained).
Molecular consequence: synonymous variant.
Genome position (GRCh38, 1-based): chr4:122,743,921, T>C. VCF-style: chr4-122743921-T-C. GRCh37 (hg19) VCF-style: chr4-123665076-T-C.
Other names: c.2029T>C, p.Leu677= (NM_001178007.2).
Identifiers: ClinVar variation 779736 (VCV000779736.10), dbSNP rs1578492416, ClinGen allele CA441121380.
Genomic context (GRCh38, chr4:122,743,921, plus strand): 5'-GAGCAGATTCCGAGAGTTTATGACGTTGTTACACCAAAGATTGAGGCGTGGCGCCGAGCA[T>C]TGGATTTAGTATTGTTAGTACTTCAGACAGACAGTGAAATAATTACTGGACATGGACACA-3'
Protein context (NP_689831.2, residues 667-687): TPKIEAWRRA[Leu677=]DLVLLVLQTD